The following is an entry in ClinVar:

ClinVar aggregate classification (germline): Uncertain significance (1 of 4 stars; one submission).

Submission:

Ambry Genetics
Classification: Uncertain significance. Last evaluated: 2022-02-12. Review status: criteria provided, single submitter. Criteria: Ambry Variant Classification Scheme 2023. Collection method: clinical testing. Allele origin: germline.
Comment: The p.E383Q variant (also known as c.1147G>C), located in coding exon 8 of the POLQ gene, results from a G to C substitution at nucleotide position 1147. The glutamic acid at codon 383 is replaced by glutamine, an amino acid with highly similar properties. This amino acid position is conserved. In addition, this alteration is predicted to be tolerated by in silico analysis. Since supporting evidence is limited at this time, the clinical significance of this alteration remains unclear.

NM_199420.4(POLQ):c.1147G>C (p.Glu383Gln)

Gene: POLQ (DNA polymerase theta; minus strand). Cytogenetic location: 3q13.33.
Variant type: single nucleotide variant.
Coding change: c.1147G>C on transcript NM_199420.4 (MANE Select); coding-DNA position 1147, G replaced by C.
Protein change: p.Glu383Gln; replaces glutamic acid 383 with glutamine.
Molecular consequence: missense variant.
Genome position (GRCh38, 1-based): chr3:121,522,111, C>G on the plus strand (G>C on the coding strand, the complement: POLQ is on the minus strand). VCF-style: chr3-121522111-C-G. GRCh37 (hg19) VCF-style: chr3-121240958-C-G.
Other names: short protein forms E383Q.
Identifiers: ClinVar variation 1732952 (VCV001732952.2), dbSNP rs2546811745, ClinGen allele CA354121954.
Genomic context (GRCh38, chr3:121,522,111, plus strand): 5'-AGTCCAGTCCTGAAGGCAAACGTCTTAACTGATCCATCACTTCCAGGAGTTCTTTTTGTT[C>G]CAGAATTACTGGTGGGCATTCAGAGGGTTTCACCAATCCTGTCACAAAAAAATTATCAAC-3'
Protein context (NP_955452.3, residues 373-393): KPSECPPVIL[Glu383Gln]QKELLEVMDQ